The following is an entry in ClinVar:

ClinVar aggregate classification (germline): Likely benign. Review status: criteria provided, multiple submitters, no conflicts (2 of 4 stars). 6 submissions from 6 submitters: Likely benign (4). 2 of the submissions do not count toward it. Last evaluated 2024-09-13.

Allele frequency attached by ClinVar (database versions not stated): ExAC 0.00059; gnomAD exomes 0.00063; ESP Exome Variant Server 0.00146; gnomAD 0.00172 and 0.00185; 1000 Genomes Project 0.00200; TOPMed 0.00203; 1000 Genomes Project 30x 0.00234.
gnomAD v4.1: 603 of 1,614,138 alleles (0.037%); highest among the groups gnomAD compares: African/African-American, 0.48%; 1 homozygote.

Submissions (6):

Blueprint Genetics
Classification: Likely benign. Last evaluated: 2024-09-13. Review status: criteria provided, single submitter. Criteria: ACMG Guidelines, 2015. Collection method: clinical testing. Allele origin: germline.

CeGaT Center for Human Genetics Tuebingen
Classification: Likely benign. Last evaluated: 2021-08-01. Review status: criteria provided, single submitter. Criteria: CeGaT Center For Human Genetics Tuebingen Variant Classification Criteria Version 2. Collection method: clinical testing. Allele origin: germline. Affected: yes. Observed: 1 variant allele.

GeneDx
Classification: Likely benign. Last evaluated: 2015-12-14. Review status: criteria provided, single submitter. Criteria: GeneDx Variant Classification (06012015). Collection method: clinical testing. Allele origin: germline. Affected: yes.
Comment: This variant is considered likely benign or benign based on one or more of the following criteria: it is a conservative change, it occurs at a poorly conserved position in the protein, it is predicted to be benign by multiple in silico algorithms, and/or has population frequency not consistent with disease.

Breakthrough Genomics
Classification: Likely benign. Review status: criteria provided, single submitter. Criteria: ACMG Guidelines, 2015. Collection method: not provided. Allele origin: germline. Inheritance: Autosomal recessive inheritance. Affected: yes.

Clinical Genetics DNA and cytogenetics Diagnostics Lab, Erasmus MC, Erasmus Medical Center
Classification: Likely benign. Review status: no assertion criteria provided. Collection method: clinical testing. Allele origin: germline. Affected: yes. Study: VKGL Data-share Consensus. Not counted in ClinVar's aggregate classification.

Clinical Genetics, Academic Medical Center
Classification: Benign. Review status: no assertion criteria provided. Collection method: clinical testing. Allele origin: germline. Affected: yes. Study: VKGL Data-share Consensus. Not counted in ClinVar's aggregate classification.

NM_003119.4(SPG7):c.1324+4187C>T

Gene: SPG7 (SPG7 matrix AAA peptidase subunit, paraplegin; plus strand). Cytogenetic location: 16q24.3.
Variant type: single nucleotide variant.
Coding change: c.1324+4187C>T on transcript NM_003119.4 (MANE Select); 4187 bases into the intron after coding-DNA position 1324, C replaced by T.
Molecular consequence: intron variant. On other transcripts: synonymous variant (1).
Genome position (GRCh38, 1-based): chr16:89,536,823, C>T. VCF-style: chr16-89536823-C-T. GRCh37 (hg19) VCF-style: chr16-89603231-C-T.
Other names: c.1383C>T, p.Thr461= (NM_199367.3); c.1324+4187C>T (NM_001363850.1).
Identifiers: ClinVar variation 379136 (VCV000379136.39), dbSNP rs143254053, ClinGen allele CA8244091.